The following is an entry in ClinVar:

ClinVar aggregate classification (germline): Uncertain significance. Review status: criteria provided, multiple submitters, no conflicts (2 of 4 stars). 2 submissions from 2 submitters: Uncertain significance (2). Last evaluated 2025-11-03.

Conditions:
Cardiovascular phenotype. Identifiers: MedGen CN230736.
Dilated cardiomyopathy 1JJ (CMD1JJ). Identifiers: Orphanet 154, MedGen C3808935, MONDO:0014095, OMIM 615235.

Allele frequency attached by ClinVar (database versions not stated): gnomAD exomes below 0.00001.
gnomAD v4.1: 4 of 1,613,784 alleles (0.00025%); highest among the groups gnomAD compares: Admixed American, 0.0067%; no homozygotes.

Submissions (2):

Labcorp Genetics (formerly Invitae), Labcorp
Classification: Uncertain significance for Dilated cardiomyopathy 1JJ. Last evaluated: 2025-11-03. Review status: criteria provided, single submitter. Criteria: Invitae Variant Classification Sherloc (09022015). Collection method: clinical testing. Allele origin: germline.
Comment: This sequence change replaces aspartic acid, which is acidic and polar, with asparagine, which is neutral and polar, at codon 1543 of the LAMA4 protein (p.Asp1543Asn). This variant is present in population databases (no rsID available, gnomAD 0.003%). This variant has not been reported in the literature in individuals affected with LAMA4-related conditions. ClinVar contains an entry for this variant (Variation ID: 1741987). Invitae Evidence Modeling of protein sequence and biophysical properties (such as structural, functional, and spatial information, amino acid conservation, physicochemical variation, residue mobility, and thermodynamic stability) indicates that this missense variant is not expected to disrupt LAMA4 protein function with a negative predictive value of 80%. In summary, the available evidence is currently insufficient to determine the role of this variant in disease. Therefore, it has been classified as a Variant of Uncertain Significance.

Ambry Genetics
Classification: Uncertain significance for Cardiovascular phenotype. Last evaluated: 2022-04-09. Review status: criteria provided, single submitter. Criteria: Ambry Variant Classification Scheme 2023. Collection method: clinical testing. Allele origin: germline.
Comment: The p.D1543N variant (also known as c.4627G>A), located in coding exon 32 of the LAMA4 gene, results from a G to A substitution at nucleotide position 4627. The aspartic acid at codon 1543 is replaced by asparagine, an amino acid with highly similar properties. This amino acid position is conserved. In addition, the in silico prediction for this alteration is inconclusive. Since supporting evidence is limited at this time, the clinical significance of this alteration remains unclear.

NM_001105206.3(LAMA4):c.4648G>A (p.Asp1550Asn)

Gene: LAMA4 (laminin subunit alpha 4; minus strand). Cytogenetic location: 6q21.
Variant type: single nucleotide variant.
Coding change: c.4648G>A on transcript NM_001105206.3 (MANE Select); coding-DNA position 4648, G replaced by A.
Protein change: p.Asp1550Asn; replaces aspartic acid 1550 with asparagine.
Molecular consequence: missense variant.
Genome position (GRCh38, 1-based): chr6:112,120,300, C>T on the plus strand (G>A on the coding strand, the complement: LAMA4 is on the minus strand). VCF-style: chr6-112120300-C-T. GRCh37 (hg19) VCF-style: chr6-112441503-C-T.
Other names: c.4627G>A, p.Asp1543Asn (NM_001105207.3, NM_002290.5); short protein forms D1550N, D1543N.
Identifiers: ClinVar variation 1741987 (VCV001741987.3), dbSNP rs1554325683, ClinGen allele CA365369106.